The following is an entry in ClinVar:

NM_006734.4(HIVEP2):c.3113C>T (p.Pro1038Leu)

Gene: HIVEP2 (HIVEP zinc finger 2; minus strand). Cytogenetic location: 6q24.2.
Variant type: single nucleotide variant.
Coding change: c.3113C>T on transcript NM_006734.4 (MANE Select); coding-DNA position 3113, C replaced by T.
Protein change: p.Pro1038Leu; replaces proline 1038 with leucine.
Molecular consequence: missense variant.
Genome position (GRCh38, 1-based): chr6:142,771,626, G>A on the plus strand (C>T on the coding strand, the complement: HIVEP2 is on the minus strand). VCF-style: chr6-142771626-G-A. GRCh37 (hg19) VCF-style: chr6-143092763-G-A.
Other names: short protein forms P1038L.
Identifiers: ClinVar variation 3901526 (VCV003901526.1).
Genomic context (GRCh38, chr6:142,771,626, plus strand): 5'-TGGGACAGATTCCCATAATCAAATGATTTGCTCCGAACTTCTGGGACTTCCGCTGGGTGA[G>A]GACAAGGCATCTGCTCTGATGAGCAGCGTCGCATCTCTTTCTGGTGGTGATGGCCTGGGA-3'
Protein context (NP_006725.3, residues 1028-1048): RRCSSEQMPC[Pro1038Leu]HPAEVPEVRS

ClinVar aggregate classification (germline): Uncertain significance (1 of 4 stars; one submission).

Submission:

GeneDx
Classification: Uncertain significance. Last evaluated: 2024-12-05. Review status: criteria provided, single submitter. Criteria: GeneDx Variant Classification Process June 2021. Collection method: clinical testing. Allele origin: germline. Affected: yes.
Comment: Not observed at significant frequency in large population cohorts (gnomAD); In silico analysis indicates that this missense variant does not alter protein structure/function; Has not been previously published as pathogenic or benign to our knowledge